The following is an entry in ClinVar:

NM_001369.3(DNAH5):c.2853del (p.Glu953fs)

Genes: DNAH5 (dynein axonemal heavy chain 5; minus strand), DNAH5-AS1 (DNAH5 antisense RNA 1; plus strand). Cytogenetic location: 5p15.2.
Variant type: Deletion.
Coding change: c.2853del on transcript NM_001369.3 (MANE Select); coding-DNA position 2853, one base deleted (A; older notation c.2853delA).
Protein change: p.Glu953fs; shifts the reading frame from glutamic acid 953.
Molecular consequence: frameshift variant.
Genome position (GRCh38, 1-based): chr5:13,885,119, T deleted on the plus strand (A on the coding strand, the reverse complement: DNAH5 is on the minus strand). VCF-style (leftmost placement, unchanged base first): chr5-13885118-CT-C. GRCh37 (hg19) VCF-style: chr5-13885227-CT-C.
Other names: short protein forms E953fs.
Identifiers: ClinVar variation 4066812 (VCV004066812.2).

ClinVar aggregate classification (germline): Likely pathogenic (1 of 4 stars; one submission).

Conditions:
Primary ciliary dyskinesia. Also called: Ciliary dyskinesia. Identifiers: Orphanet 244, MedGen C0008780, MONDO:0016575, HP:0012265.

Submission:

Natera, Inc.
Classification: Likely pathogenic for Primary ciliary dyskinesia. Last evaluated: 2025-01-29. Review status: criteria provided, single submitter. Criteria: Natera Variant Classification Schema (03/2026). Collection method: clinical testing. Allele origin: germline.
Comment: The c.2853del variant in DNAH5 is a frameshift variant predicted to shift the reading frame beginning at codon 953 and leads to a stop codon 19 codons downstream. This variant is expected to result in nonsense mediated decay, truncation, or a dysfunctional protein product. This variant is rare in the general population with a frequency below the threshold expected for the associated phenotype(s). Given the available evidence, this variant is classified as Likely Pathogenic.